The following is an entry in ClinVar:

NM_018451.5(CPAP):c.2188G>C (p.Asp730His)

Gene: CPAP (centrosome assembly and centriole elongation protein; minus strand). Cytogenetic location: 13q12.13.
Variant type: single nucleotide variant.
Coding change: c.2188G>C on transcript NM_018451.5 (MANE Select); coding-DNA position 2188, G replaced by C.
Protein change: p.Asp730His; replaces aspartic acid 730 with histidine.
Molecular consequence: missense variant. On other transcripts: non-coding transcript variant (2).
Genome position (GRCh38, 1-based): chr13:24,905,850, C>G on the plus strand (G>C on the coding strand, the complement: CPAP is on the minus strand). VCF-style: chr13-24905850-C-G. GRCh37 (hg19) VCF-style: chr13-25479988-C-G.
Other names: c.2188G>C (NM_018451.3); short protein forms D730H.
Identifiers: ClinVar variation 1520203 (VCV001520203.7), dbSNP rs200030350, ClinGen allele CA6919639.

ClinVar aggregate classification (germline): Uncertain significance. Review status: criteria provided, multiple submitters, no conflicts (2 of 4 stars). 2 submissions from 2 submitters: Uncertain significance (2). Last evaluated 2021-08-18.

Conditions:
Inborn genetic diseases. Identifiers: MedGen C0950123, MeSH D030342.

Allele frequency attached by ClinVar (database versions not stated): ExAC 0.00001; gnomAD exomes 0.00001 and 0.00002; TOPMed 0.00001.
gnomAD v4.1: 22 of 1,614,130 alleles (0.0014%); highest among the groups gnomAD compares: Non-Finnish European, 0.0019%; no homozygotes.

Submissions (2):

Labcorp Genetics (formerly Invitae), Labcorp
Classification: Uncertain significance. Last evaluated: 2021-08-18. Review status: criteria provided, single submitter. Criteria: Invitae Variant Classification Sherloc (09022015). Collection method: clinical testing. Allele origin: germline.
Comment: This sequence change replaces aspartic acid with histidine at codon 730 of the CENPJ protein (p.Asp730His). The aspartic acid residue is moderately conserved and there is a moderate physicochemical difference between aspartic acid and histidine. This variant is present in population databases (rs200030350, ExAC 0.001%). This variant has not been reported in the literature in individuals affected with CENPJ-related conditions. Algorithms developed to predict the effect of missense changes on protein structure and function are either unavailable or do not agree on the potential impact of this missense change (SIFT: "Deleterious"; PolyPhen-2: "Possibly Damaging"; Align-GVGD: "Class C0"). In summary, the available evidence is currently insufficient to determine the role of this variant in disease. Therefore, it has been classified as a Variant of Uncertain Significance.

Ambry Genetics
Classification: Uncertain significance for Inborn genetic diseases. Last evaluated: 2021-08-02. Review status: criteria provided, single submitter. Criteria: Ambry Variant Classification Scheme 2023. Collection method: clinical testing. Allele origin: germline.